The following is an entry in ClinVar:

NC_000016.9:g.(?_47531290)_(47703348_?)del

Gene: PHKB (phosphorylase kinase regulatory subunit beta; plus strand). Cytogenetic location: 16q12.1.
Variant type: Deletion.
Identifiers: ClinVar variation 3243386 (VCV003243386.1).

ClinVar aggregate classification (germline): Pathogenic (1 of 4 stars; one submission).

Conditions:
Glycogen storage disease IXb (GSD9B). Also called: GLYCOGENOSIS OF LIVER AND MUSCLE, AUTOSOMAL RECESSIVE; GSD IXb; PHOSPHORYLASE KINASE DEFICIENCY OF LIVER AND MUSCLE, AUTOSOMAL RECESSIVE. Identifiers: Orphanet 79240, MedGen C0543514, MONDO:0009868, OMIM 261750.

Submission:

Labcorp Genetics (formerly Invitae), Labcorp
Classification: Pathogenic for Glycogen storage disease IXb. Last evaluated: 2023-10-04. Review status: criteria provided, single submitter. Criteria: Invitae Variant Classification Sherloc (09022015). Collection method: clinical testing. Allele origin: unknown.
Comment: This variant is a gross deletion of the genomic region encompassing exon(s) 2-26 of the PHKB gene. This deletion is out-of-frame, and is expected to create a premature termination codon and result in an absent or disrupted protein product. Loss-of-function variants in PHKB are known to be pathogenic (PMID: 9215682, 9326319). This variant has not been reported in the literature in individuals affected with PHKB-related conditions. For these reasons, this variant has been classified as Pathogenic.

Literature cited by the submitters: PubMed 9215682; PubMed 9326319.